The following is an entry in ClinVar:

ClinVar aggregate classification (germline): Uncertain significance (1 of 4 stars; one submission).

Conditions:
Early-infantile DEE. Also called: Ohtahara syndrome; Early infantile epileptic encephalopathy with suppression bursts; Early infantile epileptic encephalopathy. Identifiers: Orphanet 1934, MedGen C0393706, MONDO:0800491.

Allele frequency attached by ClinVar (database versions not stated): TOPMed below 0.00001.
gnomAD v4.1: 1 of 1,614,106 alleles (0.000062%); no homozygotes.

Submission:

Labcorp Genetics (formerly Invitae), Labcorp
Classification: Uncertain significance for Early-infantile DEE. Last evaluated: 2021-05-27. Review status: criteria provided, single submitter. Criteria: Invitae Variant Classification Sherloc (09022015). Collection method: clinical testing. Allele origin: germline.
Comment: In summary, the available evidence is currently insufficient to determine the role of this variant in disease. Therefore, it has been classified as a Variant of Uncertain Significance. Algorithms developed to predict the effect of missense changes on protein structure and function are either unavailable or do not agree on the potential impact of this missense change (SIFT: "Deleterious"; PolyPhen-2: "Benign"; Align-GVGD: "Class C0"). This variant has not been reported in the literature in individuals with ARHGEF15-related conditions. This variant is not present in population databases (ExAC no frequency). This sequence change replaces serine with isoleucine at codon 579 of the ARHGEF15 protein (p.Ser579Ile). The serine residue is moderately conserved and there is a large physicochemical difference between serine and isoleucine.

NM_173728.4(ARHGEF15):c.1736G>T (p.Ser579Ile)

Gene: ARHGEF15 (Rho guanine nucleotide exchange factor 15; plus strand). Cytogenetic location: 17p13.1.
Variant type: single nucleotide variant.
Coding change: c.1736G>T on transcript NM_173728.4 (MANE Select); coding-DNA position 1736, G replaced by T.
Protein change: p.Ser579Ile; replaces serine 579 with isoleucine.
Molecular consequence: missense variant.
Genome position (GRCh38, 1-based): chr17:8,318,418, G>T. VCF-style: chr17-8318418-G-T. GRCh37 (hg19) VCF-style: chr17-8221736-G-T.
Other names: c.1736G>T, p.Ser579Ile (NM_025014.2); short protein forms S579I.
Identifiers: ClinVar variation 1472626 (VCV001472626.9), dbSNP rs908938131, ClinGen allele CA287572323.